The following is an entry in ClinVar:

NM_004438.5(EPHA4):c.1717C>T (p.Arg573Trp)

Gene: EPHA4 (EPH receptor A4; minus strand). Cytogenetic location: 2q36.1.
Variant type: single nucleotide variant.
Coding change: c.1717C>T on transcript NM_004438.5 (MANE Select); coding-DNA position 1717, C replaced by T.
Protein change: p.Arg573Trp; replaces arginine 573 with tryptophan.
Molecular consequence: missense variant.
Genome position (GRCh38, 1-based): chr2:221,446,180, G>A on the plus strand (C>T on the coding strand, the complement: EPHA4 is on the minus strand). VCF-style: chr2-221446180-G-A. GRCh37 (hg19) VCF-style: chr2-222310900-G-A.
Other names: c.1717C>T (NM_004438.3); c.1717C>T, p.Arg573Trp (NM_001304536.2, NM_001363748.2); c.1564C>T, p.Arg522Trp (NM_001304537.2); short protein forms R573W, R522W.
Identifiers: ClinVar variation 1427806 (VCV001427806.9), dbSNP rs774855923, ClinGen allele CA2134960.

ClinVar aggregate classification (germline): Uncertain significance. Review status: criteria provided, multiple submitters, no conflicts (2 of 4 stars). 2 submissions from 2 submitters: Uncertain significance (2). Last evaluated 2025-10-22.

Allele frequency attached by ClinVar (database versions not stated): TOPMed 0.00002; gnomAD 0.00003.
gnomAD v4.1: 51 of 1,499,776 alleles (0.0034%); highest among the groups gnomAD compares: African/African-American, 0.0072%; no homozygotes.

Submissions (2):

Labcorp Genetics (formerly Invitae), Labcorp
Classification: Uncertain significance. Last evaluated: 2025-10-22. Review status: criteria provided, single submitter. Criteria: Invitae Variant Classification Sherloc (09022015). Collection method: clinical testing. Allele origin: germline.
Comment: This sequence change replaces arginine, which is basic and polar, with tryptophan, which is neutral and slightly polar, at codon 573 of the EPHA4 protein (p.Arg573Trp). This variant is present in population databases (rs774855923, gnomAD 0.01%). This missense change has been observed in individual(s) with EPHA4-related conditions (PMID: 33057194, 35982159). ClinVar contains an entry for this variant (Variation ID: 1427806). An algorithm developed to predict the effect of missense changes on protein structure and function (PolyPhen-2) suggests that this variant is likely to be disruptive. In summary, the available evidence is currently insufficient to determine the role of this variant in disease. Therefore, it has been classified as a Variant of Uncertain Significance.

Ambry Genetics
Classification: Uncertain significance. Last evaluated: 2023-01-20. Review status: criteria provided, single submitter. Criteria: Ambry Variant Classification Scheme 2023. Collection method: clinical testing. Allele origin: germline.

Literature cited by the submitters: PubMed 33057194 (cited by Labcorp Genetics (formerly Invitae), Labcorp); PubMed 35982159 (cited by Labcorp Genetics (formerly Invitae), Labcorp).